The following is an entry in ClinVar:

ClinVar aggregate classification (germline): Pathogenic (1 of 4 stars; one submission).

Conditions:
Shwachman-Diamond syndrome 1 (SDS1). Also called: LIPOMATOSIS OF PANCREAS, CONGENITAL. Identifiers: MedGen C4692625, MONDO:0044204, OMIM 260400.

Submission:

Broad Center for Mendelian Genomics, Broad Institute of MIT and Harvard
Classification: Pathogenic for Shwachman-Diamond syndrome 1. Last evaluated: 2025-02-07. Review status: criteria provided, single submitter. Criteria: ACMG Guidelines, 2015. Collection method: curation. Allele origin: germline. Inheritance: Autosomal recessive inheritance.
Comment: The p.Ser41ArgfsTer18 variant in SBDS has been reported, in the compound heterozygous state, in 1 individual with Shwachman-Diamond syndrome (PMID: 15701631), and has been identified in 0.0002% (2/1179986) of European (non-Finnish) chromosomes by the Genome Aggregation Database (gnomAD; dbSNP rs1394707265). Although this variant has been seen in the general population in a heterozygous state, its frequency is low enough to be consistent with a recessive carrier frequency. The presence of a known pseudogene, SBDSP1, can impact the reliability of allele frequencies. This variant is predicted to cause a frameshift, which alters the protein's amino acid sequence beginning at position 41 and leads to a termination codon 18 amino acids downstream. This alteration is then predicted to lead to a truncated or absent protein. Loss of function of the SBDS gene is an established disease mechanism in autosomal recessive Shwachman-Diamond syndrome. In summary, this variant meets criteria to be classified as pathogenic for autosomal recessive Shwachman-Diamond syndrome. ACMG/AMP Criteria applied: PVS1, PM3, PM2_supporting (Richards 2015).

NM_016038.4(SBDS):c.123del (p.Ser41fs)

Gene: SBDS (SBDS ribosome maturation factor; minus strand). Cytogenetic location: 7q11.21.
Variant type: Deletion.
Coding change: c.123del on transcript NM_016038.4 (MANE Select); coding-DNA position 123, one base deleted (C; older notation c.123delC).
Protein change: p.Ser41fs; shifts the reading frame from serine 41.
Molecular consequence: frameshift variant.
Genome position (GRCh38, 1-based): chr7:66,995,295, G deleted on the plus strand (C on the coding strand, the reverse complement: SBDS is on the minus strand). VCF-style (leftmost placement, unchanged base first): chr7-66995294-CG-C. GRCh37 (hg19) VCF-style: chr7-66460281-CG-C.
Other names: NM_016038.4:c.123del; short protein forms S41fs.
Identifiers: ClinVar variation 3776903 (VCV003776903.1).